The following is an entry in ClinVar:

ClinVar aggregate classification (germline): Pathogenic. Review status: criteria provided, multiple submitters, no conflicts (2 of 4 stars). 2 submissions from 2 submitters: Pathogenic (2). Last evaluated 2024-04-08.

Conditions:
Myofibrillar myopathy 6. Identifiers: Orphanet 199340, MedGen C2751831, MONDO:0013061, OMIM 612954.
Dilated cardiomyopathy 1HH (CMD1HH). Identifiers: Orphanet 154, MedGen C3151293, MONDO:0013479, OMIM 613881.
Cardiovascular phenotype. Identifiers: MedGen CN230736.

Submissions (2):

Ambry Genetics
Classification: Pathogenic for Cardiovascular phenotype. Last evaluated: 2024-04-08. Review status: criteria provided, single submitter. Criteria: Ambry Variant Classification Scheme 2023. Collection method: clinical testing. Allele origin: germline.
Comment: The p.W255* pathogenic mutation (also known as c.765G>A), located in coding exon 3 of the BAG3 gene, results from a G to A substitution at nucleotide position 765. This changes the amino acid from a tryptophan to a stop codon within coding exon 3. This variant is considered to be rare based on population cohorts in the Genome Aggregation Database (gnomAD). This alteration is expected to result in loss of function by premature protein truncation or nonsense-mediated mRNA decay. As such, this alteration is interpreted as a disease-causing mutation.

Labcorp Genetics (formerly Invitae), Labcorp
Classification: Pathogenic for Dilated cardiomyopathy 1HH; Myofibrillar myopathy 6. Last evaluated: 2019-12-18. Review status: criteria provided, single submitter. Criteria: Invitae Variant Classification Sherloc (09022015). Collection method: clinical testing. Allele origin: germline.
Comment: For these reasons, this variant has been classified as Pathogenic. Loss-of-function variants in BAG3 are known to be pathogenic (PMID: 21353195, 25008357). This variant has not been reported in the literature in individuals with BAG3-related conditions. This variant is not present in population databases (ExAC no frequency). This sequence change creates a premature translational stop signal (p.Trp255*) in the BAG3 gene. It is expected to result in an absent or disrupted protein product.

Literature cited by the submitters: PubMed 21353195 (cited by Labcorp Genetics (formerly Invitae), Labcorp); PubMed 25008357 (cited by Labcorp Genetics (formerly Invitae), Labcorp).

NM_004281.4(BAG3):c.765G>A (p.Trp255Ter)

Gene: BAG3 (BAG cochaperone 3; plus strand). Cytogenetic location: 10q26.11.
Variant type: single nucleotide variant.
Coding change: c.765G>A on transcript NM_004281.4 (MANE Select); coding-DNA position 765, G replaced by A.
Protein change: p.Trp255Ter; replaces tryptophan 255 with a stop codon.
Molecular consequence: nonsense.
Genome position (GRCh38, 1-based): chr10:119,672,512, G>A. VCF-style: chr10-119672512-G-A. GRCh37 (hg19) VCF-style: chr10-121432024-G-A.
Other names: short protein forms W255*.
Identifiers: ClinVar variation 862211 (VCV000862211.11), dbSNP rs1564774668, ClinGen allele CA378295763.